The following is an entry in ClinVar:

ClinVar aggregate classification (germline): Uncertain significance. Review status: criteria provided, multiple submitters, no conflicts (2 of 4 stars). 2 submissions from 2 submitters: Uncertain significance (2). Last evaluated 2025-08-18.

Conditions:
Hereditary cancer-predisposing syndrome. Also called: Hereditary Cancer Syndrome; Tumor predisposition; Neoplastic Syndromes, Hereditary; Hereditary neoplastic syndrome. Identifiers: Orphanet 140162, MedGen C0027672, MeSH D009386, MONDO:0015356.
Neuroblastoma, susceptibility to, 3. Also called: ALK-Related Neuroblastic Tumor Susceptibility. Identifiers: Orphanet 635, MedGen C2751681, MONDO:0013083, OMIM 613014.

gnomAD v4.1: 4 of 1,614,256 alleles (0.00025%); highest among the groups gnomAD compares: Non-Finnish European, 0.00034%; no homozygotes.

Submissions (2):

Labcorp Genetics (formerly Invitae), Labcorp
Classification: Uncertain significance for Neuroblastoma, susceptibility to, 3. Last evaluated: 2025-08-18. Review status: criteria provided, single submitter. Criteria: Invitae Variant Classification Sherloc (09022015). Collection method: clinical testing. Allele origin: germline.
Comment: This sequence change replaces asparagine, which is neutral and polar, with lysine, which is basic and polar, at codon 871 of the ALK protein (p.Asn871Lys). This variant is not present in population databases (gnomAD no frequency). This variant has not been reported in the literature in individuals affected with ALK-related conditions. ClinVar contains an entry for this variant (Variation ID: 3223841). An algorithm developed to predict the effect of missense changes on protein structure and function (PolyPhen-2) suggests that this variant is likely to be disruptive. In summary, the available evidence is currently insufficient to determine the role of this variant in disease. Therefore, it has been classified as a Variant of Uncertain Significance.

Ambry Genetics
Classification: Uncertain significance for Hereditary cancer-predisposing syndrome. Last evaluated: 2023-11-29. Review status: criteria provided, single submitter. Criteria: Ambry Variant Classification Scheme 2023. Collection method: clinical testing. Allele origin: germline.
Comment: The p.N871K variant (also known as c.2613C>G), located in coding exon 15 of the ALK gene, results from a C to G substitution at nucleotide position 2613. The asparagine at codon 871 is replaced by lysine, an amino acid with similar properties. This amino acid position is conserved. In addition, this alteration is predicted to be tolerated by in silico analysis. Since supporting evidence is limited at this time, the clinical significance of this alteration remains unclear.

NM_004304.5(ALK):c.2613C>G (p.Asn871Lys)

Gene: ALK (ALK receptor tyrosine kinase; minus strand). Cytogenetic location: 2p23.2.
Variant type: single nucleotide variant.
Coding change: c.2613C>G on transcript NM_004304.5 (MANE Select); coding-DNA position 2613, C replaced by G.
Protein change: p.Asn871Lys; replaces asparagine 871 with lysine.
Molecular consequence: missense variant.
Genome position (GRCh38, 1-based): chr2:29,232,323, G>C on the plus strand (C>G on the coding strand, the complement: ALK is on the minus strand). VCF-style: chr2-29232323-G-C. GRCh37 (hg19) VCF-style: chr2-29455189-G-C.
Other names: short protein forms N871K.
Identifiers: ClinVar variation 3223841 (VCV003223841.2), dbSNP rs150557024, ClinGen allele CA346471559.